The following is an entry in ClinVar:

ClinVar aggregate classification (germline): Uncertain significance (1 of 4 stars; one submission).

gnomAD v4.1: 2 of 1,613,386 alleles (0.00012%); highest among the groups gnomAD compares: Non-Finnish European, 0.00017%; no homozygotes.

Submission:

Labcorp Genetics (formerly Invitae), Labcorp
Classification: Uncertain significance. Last evaluated: 2025-03-17. Review status: criteria provided, single submitter. Criteria: Invitae Variant Classification Sherloc (09022015). Collection method: clinical testing. Allele origin: germline.
Comment: This sequence change replaces threonine, which is neutral and polar, with arginine, which is basic and polar, at codon 533 of the OBSL1 protein (p.Thr533Arg). This variant is not present in population databases (gnomAD no frequency). This variant has not been reported in the literature in individuals affected with OBSL1-related conditions. ClinVar contains an entry for this variant (Variation ID: 1911633). An algorithm developed to predict the effect of missense changes on protein structure and function (PolyPhen-2) suggests that this variant is likely to be disruptive. In summary, the available evidence is currently insufficient to determine the role of this variant in disease. Therefore, it has been classified as a Variant of Uncertain Significance.

NM_015311.3(OBSL1):c.1598C>G (p.Thr533Arg)

Gene: OBSL1 (obscurin like cytoskeletal adaptor 1; minus strand). Cytogenetic location: 2q35.
Variant type: single nucleotide variant.
Coding change: c.1598C>G on transcript NM_015311.3 (MANE Select); coding-DNA position 1598, C replaced by G.
Protein change: p.Thr533Arg; replaces threonine 533 with arginine.
Molecular consequence: missense variant.
Genome position (GRCh38, 1-based): chr2:219,567,512, G>C on the plus strand (C>G on the coding strand, the complement: OBSL1 is on the minus strand). VCF-style: chr2-219567512-G-C. GRCh37 (hg19) VCF-style: chr2-220432234-G-C.
Other names: c.1598C>G, p.Thr533Arg (NM_001173408.2, NM_001173431.2); short protein forms T533R.
Identifiers: ClinVar variation 1911633 (VCV001911633.5), dbSNP rs371394126, ClinGen allele CA350758119.